The following is an entry in ClinVar:

ClinVar aggregate classification (germline): Conflicting classifications of pathogenicity. Review status: criteria provided, conflicting classifications (1 of 4 stars). 3 submissions from 3 submitters: Uncertain significance (1); Likely benign (2). Last evaluated 2026-01-27.

Conditions:
Inborn genetic diseases. Identifiers: MedGen C0950123, MeSH D030342.
Charcot-Marie-Tooth disease type 4. Also called: Charcot-Marie-Tooth disease, type IV; Charcot-Marie-Tooth, Type 4. Identifiers: Orphanet 64749, MedGen C4082197, MONDO:0018995.
SBF2-related disorder. Also called: SBF2-related condition.

Allele frequency attached by ClinVar (database versions not stated): ExAC 0.00002; gnomAD 0.00003 and 0.00004; gnomAD exomes 0.00003 and 0.00010; TOPMed 0.00003; ESP Exome Variant Server 0.00008.
gnomAD v4.1: 147 of 1,607,748 alleles (0.0091%); highest among the groups gnomAD compares: Middle Eastern, 0.016%; no homozygotes.

Submissions (3):

Labcorp Genetics (formerly Invitae), Labcorp
Classification: Likely benign for Charcot-Marie-Tooth disease type 4. Last evaluated: 2026-01-27. Review status: criteria provided, single submitter. Criteria: Invitae Variant Classification Sherloc (09022015). Collection method: clinical testing. Allele origin: germline.

PreventionGenetics, part of Exact Sciences
Classification: Likely benign for SBF2-related condition. Last evaluated: 2025-03-11. Review status: criteria provided, single submitter. Criteria: ACMG Guidelines, 2015. Collection method: clinical testing. Allele origin: germline.
Comment: This variant is classified as likely benign based on ACMG/AMP sequence variant interpretation guidelines (Richards et al. 2015 PMID: 25741868, with internal and published modifications).

Ambry Genetics
Classification: Uncertain significance for Inborn genetic diseases. Last evaluated: 2023-06-30. Review status: criteria provided, single submitter. Criteria: Ambry Variant Classification Scheme 2023. Collection method: clinical testing. Allele origin: germline.
Comment: The c.1396-6T>C intronic alteration consists of a T to C substitution 6 nucleotides before coding exon 14 in the SBF2 gene. Based on insufficient or conflicting evidence, the clinical significance of this alteration remains unclear.

NM_030962.4(SBF2):c.1396-6T>C

Gene: SBF2 (SET binding factor 2; minus strand). Cytogenetic location: 11p15.4.
Variant type: single nucleotide variant.
Coding change: c.1396-6T>C on transcript NM_030962.4 (MANE Select); 6 bases into the intron before coding-DNA position 1396, T replaced by C.
Molecular consequence: intron variant.
Genome position (GRCh38, 1-based): chr11:9,968,551, A>G on the plus strand (T>C on the coding strand, the complement: SBF2 is on the minus strand). VCF-style: chr11-9968551-A-G. GRCh37 (hg19) VCF-style: chr11-9990098-A-G.
Other names: c.1267-6T>C (NM_001386342.1); c.1396-6T>C (NM_001386339.1).
Identifiers: ClinVar variation 543365 (VCV000543365.13), dbSNP rs369973804, ClinGen allele CA5881831.